The following is an entry in ClinVar:

NM_001792.5(CDH2):c.117T>A (p.Asp39Glu)

Gene: CDH2 (cadherin 2; minus strand). Cytogenetic location: 18q12.1.
Variant type: single nucleotide variant.
Coding change: c.117T>A on transcript NM_001792.5 (MANE Select); coding-DNA position 117, T replaced by A.
Protein change: p.Asp39Glu; replaces aspartic acid 39 with glutamic acid.
Molecular consequence: missense variant.
Genome position (GRCh38, 1-based): chr18:28,147,728, A>T on the plus strand (T>A on the coding strand, the complement: CDH2 is on the minus strand). VCF-style: chr18-28147728-A-T. GRCh37 (hg19) VCF-style: chr18-25727692-A-T.
Other names: short protein forms D39E.
Identifiers: ClinVar variation 1942074 (VCV001942074.5), dbSNP rs879180473, ClinGen allele CA402244579.

ClinVar aggregate classification (germline): Uncertain significance (1 of 4 stars; one submission).

gnomAD v4.1: 1 of 1,613,146 alleles (0.000062%); highest among the groups gnomAD compares: East Asian, 0.0022%; no homozygotes.

Submission:

Labcorp Genetics (formerly Invitae), Labcorp
Classification: Uncertain significance. Last evaluated: 2022-03-27. Review status: criteria provided, single submitter. Criteria: Invitae Variant Classification Sherloc (09022015). Collection method: clinical testing. Allele origin: germline.
Comment: In summary, the available evidence is currently insufficient to determine the role of this variant in disease. Therefore, it has been classified as a Variant of Uncertain Significance. Algorithms developed to predict the effect of missense changes on protein structure and function (SIFT, PolyPhen-2, Align-GVGD) all suggest that this variant is likely to be tolerated. This variant has not been reported in the literature in individuals affected with CDH2-related conditions. This variant is not present in population databases (gnomAD no frequency). This sequence change replaces aspartic acid, which is acidic and polar, with glutamic acid, which is acidic and polar, at codon 39 of the CDH2 protein (p.Asp39Glu).